The following is an entry in ClinVar:

ClinVar aggregate classification (germline): Uncertain significance (1 of 4 stars; one submission).

gnomAD v4.1: 1 of 1,613,912 alleles (0.000062%); highest among the groups gnomAD compares: Non-Finnish European, 0.000085%; no homozygotes.

Submission:

Ambry Genetics
Classification: Uncertain significance. Last evaluated: 2026-07-01. Review status: criteria provided, single submitter. Criteria: Ambry Variant Classification Scheme 2023. Collection method: clinical testing. Allele origin: germline.
Comment: The p.S325Y variant (also known as c.974C>A), located in coding exon 9 of the RAD51B gene, results from a C to A substitution at nucleotide position 974. The serine at codon 325 is replaced by tyrosine, an amino acid with dissimilar properties. This amino acid position is conserved. In addition, this alteration is predicted to be deleterious by in silico analysis. Based on the available evidence, the clinical significance of this variant remains unclear.

NM_133510.4(RAD51B):c.974C>A (p.Ser325Tyr)

Gene: RAD51B (RAD51 paralog B; plus strand). Cytogenetic location: 14q24.1.
Variant type: single nucleotide variant.
Coding change: c.974C>A on transcript NM_133510.4 (MANE Select); coding-DNA position 974, C replaced by A.
Protein change: p.Ser325Tyr; replaces serine 325 with tyrosine.
Molecular consequence: missense variant.
Genome position (GRCh38, 1-based): chr14:68,468,188, C>A. VCF-style: chr14-68468188-C-A. GRCh37 (hg19) VCF-style: chr14-68934905-C-A.
Other names: c.860C>A, p.Ser287Tyr (NM_001321815.1); c.617C>A, p.Ser206Tyr (NM_001321817.2); c.974C>A, p.Ser325Tyr (NM_001321818.2, NM_001321819.1, NM_001321821.2 and 6 more transcripts); short protein forms S206Y, S325Y, S287Y.
Identifiers: ClinVar variation 5027770 (VCV005027770.1).